The following is an entry in ClinVar:

ClinVar aggregate classification (germline): Uncertain significance (1 of 4 stars; one submission).

Conditions:
Nephronophthisis. Also called: Juvenile Nephronophthisis. Identifiers: Orphanet 655, MedGen C0687120, MONDO:0019005, HP:0000090.

Submission:

Labcorp Genetics (formerly Invitae), Labcorp
Classification: Uncertain significance for Nephronophthisis. Last evaluated: 2022-05-14. Review status: criteria provided, single submitter. Criteria: Invitae Variant Classification Sherloc (09022015). Collection method: clinical testing. Allele origin: germline.
Comment: This variant has not been reported in the literature in individuals affected with NPHP3-related conditions. In summary, the available evidence is currently insufficient to determine the role of this variant in disease. Therefore, it has been classified as a Variant of Uncertain Significance. Algorithms developed to predict the effect of missense changes on protein structure and function are either unavailable or do not agree on the potential impact of this missense change (SIFT: "Deleterious"; PolyPhen-2: "Possibly Damaging"; Align-GVGD: "Class C0"). This variant is not present in population databases (gnomAD no frequency). This sequence change replaces arginine, which is basic and polar, with serine, which is neutral and polar, at codon 1286 of the NPHP3 protein (p.Arg1286Ser).

NM_153240.5(NPHP3):c.3858G>T (p.Arg1286Ser)

Genes: NPHP3 (nephrocystin 3; minus strand), NPHP3-ACAD11 (NPHP3-ACAD11 readthrough (NMD candidate); minus strand). Cytogenetic location: 3q22.1.
Variant type: single nucleotide variant.
Coding change: c.3858G>T on transcript NM_153240.5 (MANE Select); coding-DNA position 3858, G replaced by T.
Protein change: p.Arg1286Ser; replaces arginine 1286 with serine.
Molecular consequence: missense variant. On other transcripts: non-coding transcript variant (1).
Genome position (GRCh38, 1-based): chr3:132,682,045, C>A on the plus strand (G>T on the coding strand, the complement: NPHP3 is on the minus strand). VCF-style: chr3-132682045-C-A. GRCh37 (hg19) VCF-style: chr3-132400889-C-A.
Other names: short protein forms R1286S.
Identifiers: ClinVar variation 1994428 (VCV001994428.4), dbSNP rs2530372256, ClinGen allele CA354578053.
Genomic context (GRCh38, chr3:132,682,045, plus strand): 5'-ATGGCGTGAAGGAGCTTTTCCACCCAAGAGTGATGTTTCTGCTTCTTTTATTTCCATTGC[C>A]CTTTTGTATAATTCAGCAGCTTTTTCAAAATCTCCTCCTTCATAGCTTTGAGAGAGAAAA-3'
Protein context (NP_694972.3, residues 1276-1296): DFEKAAELYK[Arg1286Ser]AMEIKEAETS